The following is an entry in ClinVar:

NM_000059.4(BRCA2):c.5402C>G (p.Pro1801Arg)

Gene: BRCA2 (BRCA2 DNA repair associated; plus strand). Cytogenetic location: 13q13.1.
Variant type: single nucleotide variant.
Coding change: c.5402C>G on transcript NM_000059.4 (MANE Select); coding-DNA position 5402, C replaced by G.
Protein change: p.Pro1801Arg; replaces proline 1801 with arginine.
Molecular consequence: missense variant.
Genome position (GRCh38, 1-based): chr13:32,339,757, C>G. VCF-style: chr13-32339757-C-G. GRCh37 (hg19) VCF-style: chr13-32913894-C-G.
Other names: short protein forms P1801R.
Identifiers: ClinVar variation 1489048 (VCV001489048.9), dbSNP rs1060502429, ClinGen allele CA387785329.

ClinVar aggregate classification (germline): Conflicting classifications of pathogenicity. Review status: criteria provided, conflicting classifications (1 of 4 stars). 3 submissions from 3 submitters: Uncertain significance (2); Likely benign (1). Last evaluated 2024-10-23.

Conditions:
Hereditary cancer-predisposing syndrome. Also called: Hereditary neoplastic syndrome; Neoplastic Syndromes, Hereditary; Hereditary Cancer Syndrome; Tumor predisposition. Identifiers: Orphanet 140162, MedGen C0027672, MeSH D009386, MONDO:0015356.
Hereditary breast ovarian cancer syndrome. Also called: Hereditary breast and/or ovarian cancer syndrome; Hereditary breast and ovarian cancer syndrome (HBOC); Breast and ovarian cancer; Hereditary breast and ovarian cancer; Hereditary breast and ovarian cancer syndrome; BRCA1- and BRCA2-Associated Hereditary Breast and Ovarian Cancer. Identifiers: Orphanet 145, MedGen C0677776, MeSH D061325, MONDO:0003582. Disease mechanism: loss of function.

Allele frequency attached by ClinVar (database versions not stated): gnomAD exomes below 0.00001.
gnomAD v4.1: 1 of 1,613,834 alleles (0.000062%); highest among the groups gnomAD compares: Admixed American, 0.0017%; no homozygotes.

Submissions (3):

Labcorp Genetics (formerly Invitae), Labcorp
Classification: Uncertain significance for Hereditary breast ovarian cancer syndrome. Last evaluated: 2024-10-23. Review status: criteria provided, single submitter. Criteria: Invitae Variant Classification Sherloc (09022015). Collection method: clinical testing. Allele origin: germline.
Comment: This sequence change replaces proline, which is neutral and non-polar, with arginine, which is basic and polar, at codon 1801 of the BRCA2 protein (p.Pro1801Arg). This variant is present in population databases (no rsID available, gnomAD 0.003%). This variant has not been reported in the literature in individuals affected with BRCA2-related conditions. ClinVar contains an entry for this variant (Variation ID: 1489048). Invitae Evidence Modeling of protein sequence and biophysical properties (such as structural, functional, and spatial information, amino acid conservation, physicochemical variation, residue mobility, and thermodynamic stability) indicates that this missense variant is not expected to disrupt BRCA2 protein function with a negative predictive value of 95%. In summary, the available evidence is currently insufficient to determine the role of this variant in disease. Therefore, it has been classified as a Variant of Uncertain Significance.

University of Washington Department of Laboratory Medicine, University of Washington
Classification: Likely benign for Hereditary cancer-predisposing syndrome. Last evaluated: 2023-03-23. Review status: criteria provided, single submitter. Criteria: Dines et al. (Genet Med. 2020). Collection method: curation. Allele origin: germline.
Comment: Missense variant in a coldspot region where missense variants are very unlikely to be pathogenic (PMID:31911673).

BRCA2 exon 11 coldspot. Reclassification based on statistical prior probability.

Ambry Genetics
Classification: Uncertain significance for Hereditary cancer-predisposing syndrome. Last evaluated: 2021-03-12. Review status: criteria provided, single submitter. Criteria: Ambry Variant Classification Scheme 2023. Collection method: clinical testing. Allele origin: germline.
Comment: The p.P1801R variant (also known as c.5402C>G), located in coding exon 10 of the BRCA2 gene, results from a C to G substitution at nucleotide position 5402. The proline at codon 1801 is replaced by arginine, an amino acid with dissimilar properties. This amino acid position is not well conserved in available vertebrate species. In addition, this alteration is predicted to be tolerated by in silico analysis. Since supporting evidence is limited at this time, the clinical significance of this alteration remains unclear.